The following is an entry in ClinVar:

NM_000782.5(CYP24A1):c.1320G>A (p.Trp440Ter)

Gene: CYP24A1 (cytochrome P450 family 24 subfamily A member 1; minus strand). Cytogenetic location: 20q13.2.
Variant type: single nucleotide variant.
Coding change: c.1320G>A on transcript NM_000782.5 (MANE Select); coding-DNA position 1320, G replaced by A.
Protein change: p.Trp440Ter; replaces tryptophan 440 with a stop codon.
Molecular consequence: nonsense. On other transcripts: intron variant (3).
Genome position (GRCh38, 1-based): chr20:54,157,502, C>T on the plus strand (G>A on the coding strand, the complement: CYP24A1 is on the minus strand). VCF-style: chr20-54157502-C-T. GRCh37 (hg19) VCF-style: chr20-52774041-C-T.
Other names: c.1320G>A, p.Trp440Ter (NM_001424340.1, NM_001424341.1); c.1237-213G>A (NM_001128915.2, NM_001424343.1, NM_001424342.1); short protein forms W440*.
Identifiers: ClinVar variation 3236073 (VCV003236073.1), dbSNP rs2092633467, ClinGen allele CA409394567.

ClinVar aggregate classification (germline): Pathogenic (1 of 4 stars; one submission).

Conditions:
Hypercalcemia, infantile, 1 (HCINF1). Identifiers: Orphanet 300547, MedGen CN031131, MONDO:0020739, OMIM 143880.

Submission:

MVZ Medizinische Genetik Mainz
Classification: Pathogenic for Hypercalcemia, infantile, 1. Last evaluated: 2023-10-31. Review status: criteria provided, single submitter. Criteria: UK Practice Guidelines For Variant Classification V4 01 2020. Collection method: clinical testing. Allele origin: germline. Inheritance: Autosomal recessive inheritance. Affected: yes. Observed: 1 variant allele.
Comment: ACMG Criteria: PVS1,PM2_SUP,PP4